The following is an entry in ClinVar:

NM_001130987.2(DYSF):c.5003+1249G>T

Gene: DYSF (dysferlin; plus strand). Cytogenetic location: 2p13.2.
Variant type: single nucleotide variant.
Coding change: c.5003+1249G>T on transcript NM_001130987.2 (MANE Select); 1249 bases into the intron after coding-DNA position 5003, G replaced by T.
Molecular consequence: intron variant.
Genome position (GRCh38, 1-based): chr2:71,661,900, G>T. VCF-style: chr2-71661900-G-T. GRCh37 (hg19) VCF-style: chr2-71889030-G-T.
Other names: c.4979+1249G>T (NM_001130979.2); c.5000+1249G>T (NM_001130981.2); c.4937+1249G>T (NM_001130980.2); c.4949+1249G>T (NM_001130978.2); c.4886+1249G>T (NM_003494.4); c.4907+1249G>T (NM_001130977.2); c.4844+1249G>T (NM_001130976.2); c.4982+1249G>T (NM_001130982.2); and 5 more.
Identifiers: ClinVar variation 281197 (VCV000281197.18), dbSNP rs886042110, ClinGen allele CA10603819.

ClinVar aggregate classification (germline): Pathogenic. Review status: reviewed by expert panel (3 of 4 stars). 8 submissions from 8 submitters: Pathogenic (1). 7 of the submissions do not count toward it. Last evaluated 2025-04-23.

Conditions:
DYSF-related disorder. Also called: DYSF-related condition; DYSF-related disorders.
Autosomal recessive limb-girdle muscular dystrophy. Identifiers: Orphanet 102015, MedGen C2931907, MONDO:0015152.
Autosomal recessive limb-girdle muscular dystrophy type 2B (LGMDR2). Also called: MUSCULAR DYSTROPHY, LIMB-GIRDLE, AUTOSOMAL RECESSIVE 2; Limb-girdle muscular dystrophy, type 2B; Limb-Girdle Muscular Dystrophy Type 2B (LGMD2B); MUSCULAR DYSTROPHY, LIMB-GIRDLE, TYPE 3. Identifiers: Orphanet 268, MedGen C1850889, MONDO:0009676, OMIM 253601.
Distal myopathy with anterior tibial onset. Identifiers: Orphanet 178400, MedGen C1847532, MONDO:0011721, OMIM 606768.
Miyoshi muscular dystrophy 1 (MMD1). Identifiers: Orphanet 45448, MedGen C4551973, MONDO:0024545, OMIM 254130.
Neuromuscular disease caused by qualitative or quantitative defects of dysferlin. Also called: Dysferlinopathy; Qualitative or quantitative defects of dysferlin. Identifiers: Orphanet 207073, MedGen C2931687, MONDO:0016145.

Allele frequency attached by ClinVar (database versions not stated): TOPMed 0.00001.

Submissions (8):

ClinGen Limb Girdle Muscular Dystrophy Variant Curation Expert Panel, ClinGen
Classification: Pathogenic for Autosomal recessive limb-girdle muscular dystrophy. Last evaluated: 2025-04-23. Review status: reviewed by expert panel. Criteria: ClinGen LGMD VCEP ACMG Specifications DYSF V1.0.0. Collection method: curation. Allele origin: germline. Inheritance: Autosomal recessive inheritance.
Comment: The NM_003494.4: c.4886+1249G>T variant in DYSF, which is also known as NM_001130987.2: c.5003+1249G>T, is a deep intronic variant. SpliceAI gives a score of 0.26 for donor gain and 0.12 for acceptor gain. RNAseq analysis has demonstrated two splice effects of this variant: activation of a cryptic splice site within DYSF intron 44 that leads to the insertion of 177 bp intronic sequence and a non-frameshifting insertion of 59 amino acids, p.Lys1646_Met1647ins59; and activation of a cryptic splice site within DYSF intron 44 that leads to the insertion of 88 bp of intronic sequence and a frameshift with nonsense mediated decay expected, p.Lys1646AsnfsTer13 (PMID: 36983702; PVS1_Moderate_RNA). This variant has been reported in at least four individuals with features consistent with LGMD (PMID: 26273692, 36983702, 30564623, 25493284), including confirmed in trans with a likely pathogenic or pathogenic variant in one patient (NM_003494.4: c.1168G>A p.(Asp390Asn), 1.0 pt, PMID: 26273692) and in unknown phase with a pathogenic variant in two patients (NM_003494.4: c.857T>A p.(Val286Glu), 0.5 pts, PMID: 36983702, 30564623, 25493284; NM_003494.4: c.1834C>T p.(Gln612Ter), 0.5 pts, PMID: 25493284) (PM3_Strong). At least one patient with this variant and a second presumed diagnostic variant in DYSF showed progressive muscle weakness and absent dysferlin protein expression in skeletal muscle and/or blood monocytes, which is highly specific for DYSF-related LGMD (PMID: 36983702, 25493284; PP4_Strong). In addition, this variant has been shown to co-segregate with the LGMD phenotype in one affected family member (PMID: 30564623, 30564623) (PP1). This variant is absent from gnomAD v4.1.0 (PM2_Supporting). In summary, this variant meets the criteria to be classified as Pathogenic for autosomal recessive limb girdle muscular dystrophy based on the ACMG/AMP criteria applied, as specified by the ClinGen LGMD VCEP (LGMD VCEP specifications version 1.0.0; 04/23/2025): PVS1_Moderate_RNA, PM3_Strong, PP4_Strong, PP1, PM2_Supporting.

Natera, Inc.
Classification: Likely pathogenic for Limb-girdle muscular dystrophy type 2B. Last evaluated: 2026-01-08. Review status: criteria provided, single submitter. Criteria: Natera Variant Classification Schema (03/2026). Collection method: clinical testing. Allele origin: germline. Not counted in ClinVar's aggregate classification.
Comment: The c.4886+1249G>T variant in DYSF is an intronic variant located outside the canonical splice sites. This variant is rare in the general population with a frequency below the threshold expected for the associated phenotype(s). This variant has been observed in one or more individuals affected with the associated recessive disease, as either homozygous or compound heterozygous with a second variant (PMID: 38125829, 26273692, 30564623, 36983702). Additionally, this variant has been observed to segregate in affected family members (PMID: 30564623). Functional studies show that this variant may disrupt protein function (PMID: 36983702, 25493284). Given the available evidence, this variant is classified as Likely Pathogenic.

Labcorp Genetics (formerly Invitae), Labcorp
Classification: Pathogenic for Neuromuscular disease caused by qualitative or quantitative defects of dysferlin. Last evaluated: 2024-10-22. Review status: criteria provided, single submitter. Criteria: Invitae Variant Classification Sherloc (09022015). Collection method: clinical testing. Allele origin: germline. Not counted in ClinVar's aggregate classification.
Comment: This sequence change falls in intron 44 of the DYSF gene. It does not directly change the encoded amino acid sequence of the DYSF protein. RNA analysis indicates that this variant induces altered splicing and likely results in the gain of 59 amino acid residue(s), but is expected to preserve the integrity of the reading-frame. This variant is not present in population databases (gnomAD no frequency). This variant has been observed in individual(s) with clinical features of DYSF-related disease (PMID: 25493284, 26273692). In at least one individual the data is consistent with being in trans (on the opposite chromosome) from a pathogenic variant. It has also been observed to segregate with disease in related individuals. ClinVar contains an entry for this variant (Variation ID: 281197). Studies have shown that this variant results in the activation of a cryptic splice site in intron 44 (PMID: 25493284). For these reasons, this variant has been classified as Pathogenic.

Fulgent Genetics
Classification: Likely pathogenic for Autosomal recessive limb-girdle muscular dystrophy type 2B; Miyoshi muscular dystrophy 1; Distal myopathy with anterior tibial onset. Last evaluated: 2024-03-16. Review status: criteria provided, single submitter. Criteria: ACMG Guidelines, 2015. Collection method: clinical testing. Allele origin: germline. Not counted in ClinVar's aggregate classification.

Blueprint Genetics
Classification: Pathogenic for DYSF-related disorders. Last evaluated: 2023-09-06. Review status: criteria provided, single submitter. Criteria: ACMG Guidelines, 2015. Collection method: clinical testing. Allele origin: germline. Affected: yes. Observed: 1 variant allele. Not counted in ClinVar's aggregate classification.

Baylor Genetics
Classification: Pathogenic for Miyoshi muscular dystrophy 1. Last evaluated: 2023-04-19. Review status: criteria provided, single submitter. Criteria: ACMG Guidelines, 2015. Collection method: clinical testing. Allele origin: unknown. Not counted in ClinVar's aggregate classification.

Eurofins Ntd Llc (ga)
Classification: Pathogenic. Last evaluated: 2016-07-11. Review status: criteria provided, single submitter. Criteria: EGL Classification Definitions 2015. Collection method: clinical testing. Allele origin: germline. Observed: 1 variant allele, 1 heterozygote. Not counted in ClinVar's aggregate classification.

Counsyl
Classification: Likely pathogenic for Autosomal recessive limb-girdle muscular dystrophy type 2B. Last evaluated: 2017-05-04. Review status: no assertion criteria provided. Collection method: clinical testing. Allele origin: unknown. Not counted in ClinVar's aggregate classification.

Literature cited by the submitters: PubMed 38125829 (cited by Natera, Inc.); PubMed 26273692 (cited by 3 submitters); PubMed 30564623 (cited by Natera, Inc.); PubMed 36983702 (cited by Natera, Inc.); PubMed 25493284 (cited by 3 submitters).